The following is an entry in ClinVar:

ClinVar aggregate classification (germline): Uncertain significance. Review status: criteria provided, multiple submitters, no conflicts (2 of 4 stars). 3 submissions from 3 submitters: Uncertain significance (3). Last evaluated 2025-04-21.

Conditions:
Inborn genetic diseases. Identifiers: MedGen C0950123, MeSH D030342.

Allele frequency attached by ClinVar (database versions not stated): ExAC 0.00005; gnomAD 0.00007; gnomAD exomes 0.00003 and 0.00008; TOPMed 0.00007; ESP Exome Variant Server 0.00015.
gnomAD v4.1: 128 of 1,614,056 alleles (0.0079%); highest among the groups gnomAD compares: Middle Eastern, 0.016%; no homozygotes.

Submissions (3):

Labcorp Genetics (formerly Invitae), Labcorp
Classification: Uncertain significance. Last evaluated: 2025-04-21. Review status: criteria provided, single submitter. Criteria: Invitae Variant Classification Sherloc (09022015). Collection method: clinical testing. Allele origin: germline.
Comment: This sequence change replaces arginine, which is basic and polar, with threonine, which is neutral and polar, at codon 562 of the TGM6 protein (p.Arg562Thr). This variant is present in population databases (rs148419172, gnomAD 0.009%). This variant has not been reported in the literature in individuals affected with TGM6-related conditions. ClinVar contains an entry for this variant (Variation ID: 448671). Invitae Evidence Modeling of protein sequence and biophysical properties (such as structural, functional, and spatial information, amino acid conservation, physicochemical variation, residue mobility, and thermodynamic stability) indicates that this missense variant is not expected to disrupt TGM6 protein function with a negative predictive value of 80%. In summary, the available evidence is currently insufficient to determine the role of this variant in disease. Therefore, it has been classified as a Variant of Uncertain Significance.

Ambry Genetics
Classification: Uncertain significance for Inborn genetic diseases. Last evaluated: 2023-08-21. Review status: criteria provided, single submitter. Criteria: Ambry Variant Classification Scheme 2023. Collection method: clinical testing. Allele origin: germline.

Athena Diagnostics
Classification: Uncertain significance. Last evaluated: 2016-12-07. Review status: criteria provided, single submitter. Criteria: Athena Diagnostics Criteria. Collection method: clinical testing. Allele origin: germline.

NM_198994.3(TGM6):c.1685G>C (p.Arg562Thr)

Gene: TGM6 (transglutaminase 6; plus strand). Cytogenetic location: 20p13.
Variant type: single nucleotide variant.
Coding change: c.1685G>C on transcript NM_198994.3 (MANE Select); coding-DNA position 1685, G replaced by C.
Protein change: p.Arg562Thr; replaces arginine 562 with threonine.
Molecular consequence: missense variant.
Genome position (GRCh38, 1-based): chr20:2,430,452, G>C. VCF-style: chr20-2430452-G-C. GRCh37 (hg19) VCF-style: chr20-2411098-G-C.
Other names: c.1685G>C, p.Arg562Thr (NM_001254734.2); short protein forms R562T.
Identifiers: ClinVar variation 448671 (VCV000448671.4), dbSNP rs148419172, ClinGen allele CA9732177.
Genomic context (GRCh38, chr20:2,430,452, plus strand): 5'-TGCCATTGAAGAAAGACATCAAGCCCCAACTCCCACTTCTGCTTTCCCTTCCAGAGAAGA[G>C]AATCCCAATTACAATATCTTACTCTAAGTATAAAGAAGACCTGACAGAGGACAAGAAGAT-3'
Protein context (NP_945345.2, residues 552-572): AVRLGPQEEK[Arg562Thr]IPITISYSKY